The following is an entry in ClinVar:

NM_000235.4(LIPA):c.547G>T (p.Ala183Ser)

Gene: LIPA (lipase A, lysosomal acid type; minus strand). Cytogenetic location: 10q23.31.
Variant type: single nucleotide variant.
Coding change: c.547G>T on transcript NM_000235.4 (MANE Select); coding-DNA position 547, G replaced by T.
Protein change: p.Ala183Ser; replaces alanine 183 with serine.
Molecular consequence: missense variant.
Genome position (GRCh38, 1-based): chr10:89,225,220, C>A on the plus strand (G>T on the coding strand, the complement: LIPA is on the minus strand). VCF-style: chr10-89225220-C-A. GRCh37 (hg19) VCF-style: chr10-90984977-C-A.
Other names: c.547G>T, p.Ala183Ser (NM_001127605.3); c.199G>T, p.Ala67Ser (NM_001288979.2); short protein forms A183S, A67S.
Identifiers: ClinVar variation 2174987 (VCV002174987.1), dbSNP rs1207741303, ClinGen allele CA377517421.

ClinVar aggregate classification (germline): Uncertain significance (1 of 4 stars; one submission).

Conditions:
Wolman disease (WOLD). Also called: Acid cholesteryl ester hydrolase deficiency, Wolman type; Acid lipase disease; Wolman disease, CESD; Wolman disease with hypolipoproteinemia and acanthocytosis; LYSOSOMAL ACID LIPASE DEFICIENCY, ACUTE INFANTILE; LYSOSOMAL ACID LIPASE DEFICIENCY, COMPLETE. Identifiers: Orphanet 75233, MedGen C0043208, MONDO:0019148, OMIM 620151.

Allele frequency attached by ClinVar (database versions not stated): gnomAD exomes 0.00001.
gnomAD v4.1: 19 of 1,614,120 alleles (0.0012%); highest among the groups gnomAD compares: Non-Finnish European, 0.0015%; no homozygotes.

Submission:

Labcorp Genetics (formerly Invitae), Labcorp
Classification: Uncertain significance for Wolman disease. Last evaluated: 2022-07-09. Review status: criteria provided, single submitter. Criteria: Invitae Variant Classification Sherloc (09022015). Collection method: clinical testing. Allele origin: germline.
Comment: This sequence change replaces alanine, which is neutral and non-polar, with serine, which is neutral and polar, at codon 183 of the LIPA protein (p.Ala183Ser). This variant is present in population databases (no rsID available, gnomAD 0.0009%). This variant has not been reported in the literature in individuals affected with LIPA-related conditions. Algorithms developed to predict the effect of missense changes on protein structure and function are either unavailable or do not agree on the potential impact of this missense change (SIFT: "Tolerated"; PolyPhen-2: "Possibly Damaging"; Align-GVGD: "Class C0"). Algorithms developed to predict the effect of sequence changes on RNA splicing suggest that this variant may disrupt the consensus splice site. In summary, the available evidence is currently insufficient to determine the role of this variant in disease. Therefore, it has been classified as a Variant of Uncertain Significance.